The following is an entry in ClinVar:

NM_001114748.2(TMEM240):c.193G>A (p.Asp65Asn)

Gene: TMEM240 (transmembrane protein 240; minus strand). Cytogenetic location: 1p36.33.
Variant type: single nucleotide variant.
Coding change: c.193G>A on transcript NM_001114748.2 (MANE Select); coding-DNA position 193, G replaced by A.
Protein change: p.Asp65Asn; replaces aspartic acid 65 with asparagine.
Molecular consequence: missense variant.
Genome position (GRCh38, 1-based): chr1:1,535,769, C>T on the plus strand (G>A on the coding strand, the complement: TMEM240 is on the minus strand). VCF-style: chr1-1535769-C-T. GRCh37 (hg19) VCF-style: chr1-1471149-C-T.
Other names: c.193G>A (NM_001114748.1); short protein forms D65N.
Identifiers: ClinVar variation 1914328 (VCV001914328.6), dbSNP rs755349243, ClinGen allele CA16796985.

ClinVar aggregate classification (germline): Uncertain significance. Review status: criteria provided, multiple submitters, no conflicts (2 of 4 stars). 2 submissions from 2 submitters: Uncertain significance (2). Last evaluated 2025-08-16.

Conditions:
Inborn genetic diseases. Identifiers: MedGen C0950123, MeSH D030342.

Allele frequency attached by ClinVar (database versions not stated): gnomAD 0.00003; TOPMed 0.00006.
gnomAD v4.1: 70 of 1,550,014 alleles (0.0045%); highest among the groups gnomAD compares: Admixed American, 0.026%; no homozygotes.

Submissions (2):

Labcorp Genetics (formerly Invitae), Labcorp
Classification: Uncertain significance. Last evaluated: 2025-08-16. Review status: criteria provided, single submitter. Criteria: Invitae Variant Classification Sherloc (09022015). Collection method: clinical testing. Allele origin: germline.
Comment: This sequence change replaces aspartic acid, which is acidic and polar, with asparagine, which is neutral and polar, at codon 65 of the TMEM240 protein (p.Asp65Asn). This variant is present in population databases (rs755349243, gnomAD 0.03%). This variant has not been reported in the literature in individuals affected with TMEM240-related conditions. This missense change has been observed in at least one individual who was not affected with TMEM240-related conditions (internal data). ClinVar contains an entry for this variant (Variation ID: 1914328). An algorithm developed to predict the effect of missense changes on protein structure and function (PolyPhen-2) suggests that this variant is likely to be disruptive. In summary, the available evidence is currently insufficient to determine the role of this variant in disease. Therefore, it has been classified as a Variant of Uncertain Significance.

Ambry Genetics
Classification: Uncertain significance for Inborn genetic diseases. Last evaluated: 2025-06-09. Review status: criteria provided, single submitter. Criteria: Ambry Variant Classification Scheme 2023. Collection method: clinical testing. Allele origin: germline.